The following is an entry in ClinVar:

NM_001267550.2(TTN):c.29999T>C (p.Leu10000Pro)

Gene: TTN (titin; minus strand). Cytogenetic location: 2q31.2.
Variant type: single nucleotide variant.
Coding change: c.29999T>C on transcript NM_001267550.2 (MANE Select); coding-DNA position 29999, T replaced by C.
Protein change: p.Leu10000Pro; replaces leucine 10000 with proline.
Molecular consequence: missense variant. On other transcripts: intron variant (3).
Genome position (GRCh38, 1-based): chr2:178,704,371, A>G on the plus strand (T>C on the coding strand, the complement: TTN is on the minus strand). VCF-style: chr2-178704371-A-G. GRCh37 (hg19) VCF-style: chr2-179569098-A-G.
Other names: c.29048T>C, p.Leu9683Pro (NM_001256850.1); c.26267T>C, p.Leu8756Pro (NM_133378.4); c.13282+33711T>C (NM_003319.4); c.13858+33711T>C (NM_133437.4); c.13657+33711T>C (NM_133432.3); short protein forms L10000P, L8756P, L9683P.
Identifiers: ClinVar variation 1201289 (VCV001201289.7), dbSNP rs768379279, ClinGen allele CA1999252.
Genomic context (GRCh38, chr2:178,704,371, plus strand): 5'-TCAGATTTTACATTTGGTACAGAAAATTGGCATGTCATGGTGCAAGTCTGGCCTTCTTTC[A>G]GAGTCACATCCTGAAGATGCCGTTCCCATGCAGGCTCTGTTCATGTGATACAACACGCAT-3'
Protein context (NP_001254479.2, residues 9990-10010): AWERHLQDVT[Leu10000Pro]KEGQTCTMTC

ClinVar aggregate classification (germline): Conflicting classifications of pathogenicity. Review status: criteria provided, conflicting classifications (1 of 4 stars). 4 submissions from 4 submitters: Uncertain significance (1); Likely benign (3). Last evaluated 2025-04-09.

Conditions:
Cardiomyopathy (CMYO). Also called: Cardiomyopathies. Identifiers: Orphanet 167848, MedGen C0878544, MONDO:0004994, HP:0001638. Inheritance: Various modes of inheritance.

Allele frequency attached by ClinVar (database versions not stated): gnomAD 0.00001; gnomAD exomes 0.00001 and 0.00002; ExAC 0.00002; TOPMed 0.00002.
gnomAD v4.1: 15 of 1,613,804 alleles (0.00093%); highest among the groups gnomAD compares: Admixed American, 0.0017%; no homozygotes.

Submissions (4):

Molecular Diagnostic Laboratory for Inherited Cardiovascular Disease, Montreal Heart Institute
Classification: Likely benign. Last evaluated: 2025-04-09. Review status: criteria provided, single submitter. Criteria: ACMG Guidelines, 2015. Collection method: clinical testing. Allele origin: germline. Affected: no.

CHEO Genetics Diagnostic Laboratory, Children's Hospital of Eastern Ontario
Classification: Likely benign for Cardiomyopathy. Last evaluated: 2023-03-15. Review status: criteria provided, single submitter. Criteria: ACMG Guidelines, 2015. Collection method: clinical testing. Allele origin: germline.

GeneDx
Classification: Likely benign. Last evaluated: 2020-06-17. Review status: criteria provided, single submitter. Criteria: GeneDx Variant Classification Process June 2021. Collection method: clinical testing. Allele origin: germline. Affected: yes.
Comment: This variant is associated with the following publications: (PMID: 30847666, 26573135)

Revvity Omics, Revvity
Classification: Uncertain significance. Last evaluated: 2019-12-26. Review status: criteria provided, single submitter. Criteria: ACMG Guidelines, 2015. Collection method: clinical testing. Allele origin: germline.